The following is an entry in ClinVar:

ClinVar aggregate classification (germline): Pathogenic (1 of 4 stars; one submission).

Conditions:
Intellectual developmental disorder, autosomal dominant 39. Also called: Intellectual disability, autosomal dominant 39; Mental retardation, autosomal dominant 39. Identifiers: MedGen C4225296, MONDO:0014678, OMIM 616521.

Submission:

Laboratory of Human Genetics, Universidade de São Paulo
Classification: Pathogenic for Intellectual developmental disorder, autosomal dominant 39. Last evaluated: 2020-07-21. Review status: criteria provided, single submitter. Criteria: ACMG Guidelines, 2015. Collection method: research. Allele origin: de novo. Inheritance: Autosomal dominant inheritance. Affected: yes. Observed: 1 heterozygote.
Comment: De novo pathogenic variant in the MYT1L gene (NM_015025.4:c.2990C>A ).

Literature cited by the submitters: DOI 10.1016/j.orcp.2021.01.001.

NM_001303052.2(MYT1L):c.2996C>A (p.Ser999Ter)

Gene: MYT1L (myelin transcription factor 1 like; minus strand). Cytogenetic location: 2p25.3.
Variant type: single nucleotide variant.
Coding change: c.2996C>A on transcript NM_001303052.2 (MANE Select); coding-DNA position 2996, C replaced by A.
Protein change: p.Ser999Ter; replaces serine 999 with a stop codon.
Molecular consequence: nonsense.
Genome position (GRCh38, 1-based): chr2:1,839,233, G>T on the plus strand (C>A on the coding strand, the complement: MYT1L is on the minus strand). VCF-style: chr2-1839233-G-T. GRCh37 (hg19) VCF-style: chr2-1843005-G-T.
Other names: c.2990C>A, p.Ser997Ter (NM_001329847.2, NM_001329848.1, NM_001329849.3 and 3 more transcripts); c.2996C>A, p.Ser999Ter (NM_001329851.3, NM_001329844.2, NM_001329845.1); short protein forms S997*, S999*.
Identifiers: ClinVar variation 978049 (VCV000978049.5), dbSNP rs764705470, ClinGen allele CA345698926.